The following is an entry in ClinVar:

NM_001378452.1(ITPR1):c.3494C>T (p.Thr1165Met)

Gene: ITPR1 (inositol 1,4,5-trisphosphate receptor type 1; plus strand). Cytogenetic location: 3p26.1.
Variant type: single nucleotide variant.
Coding change: c.3494C>T on transcript NM_001378452.1 (MANE Select); coding-DNA position 3494, C replaced by T.
Protein change: p.Thr1165Met; replaces threonine 1165 with methionine.
Molecular consequence: missense variant.
Genome position (GRCh38, 1-based): chr3:4,683,794, C>T. VCF-style: chr3-4683794-C-T. GRCh37 (hg19) VCF-style: chr3-4725478-C-T.
Other names: c.3467C>T, p.Thr1156Met (NM_001099952.4); c.3449C>T, p.Thr1150Met (NM_001168272.2); c.3422C>T, p.Thr1141Met (NM_002222.7); c.3449C>T (NM_001168272.1); short protein forms T1141M, T1150M, T1156M, T1165M.
Identifiers: ClinVar variation 1254358 (VCV001254358.9), dbSNP rs755486931, ClinGen allele CA2231681.

ClinVar aggregate classification (germline): Conflicting classifications of pathogenicity. Review status: criteria provided, conflicting classifications (1 of 4 stars). 4 submissions from 4 submitters: Uncertain significance (3); Likely benign (1). Last evaluated 2025-11-23.

Conditions:
Inborn genetic diseases. Identifiers: MedGen C0950123, MeSH D030342.

Allele frequency attached by ClinVar (database versions not stated): gnomAD exomes 0.00003 and 0.00008; TOPMed 0.00009; gnomAD 0.00004; ExAC 0.00007.
gnomAD v4.1: 50 of 1,612,958 alleles (0.0031%); highest among the groups gnomAD compares: Admixed American, 0.017%; no homozygotes.

Submissions (4):

Ambry Genetics
Classification: Uncertain significance for Inborn genetic diseases. Last evaluated: 2025-11-23. Review status: criteria provided, single submitter. Criteria: Ambry Variant Classification Scheme 2023. Collection method: clinical testing. Allele origin: germline.

Labcorp Genetics (formerly Invitae), Labcorp
Classification: Uncertain significance. Last evaluated: 2025-10-01. Review status: criteria provided, single submitter. Criteria: Invitae Variant Classification Sherloc (09022015). Collection method: clinical testing. Allele origin: germline.
Comment: This sequence change replaces threonine, which is neutral and polar, with methionine, which is neutral and non-polar, at codon 1141 of the ITPR1 protein (p.Thr1141Met). This variant is present in population databases (rs755486931, gnomAD 0.03%). This variant has not been reported in the literature in individuals affected with ITPR1-related conditions. ClinVar contains an entry for this variant (Variation ID: 1254358). Invitae Evidence Modeling of protein sequence and biophysical properties (such as structural, functional, and spatial information, amino acid conservation, physicochemical variation, residue mobility, and thermodynamic stability) indicates that this missense variant is not expected to disrupt ITPR1 protein function with a negative predictive value of 95%. In summary, the available evidence is currently insufficient to determine the role of this variant in disease. Therefore, it has been classified as a Variant of Uncertain Significance.

GeneDx
Classification: Uncertain significance. Last evaluated: 2021-07-02. Review status: criteria provided, single submitter. Criteria: GeneDx Variant Classification Process June 2021. Collection method: clinical testing. Allele origin: germline. Affected: yes.
Comment: Has not been previously published as pathogenic or benign to our knowledge; In silico analysis supports that this missense variant does not alter protein structure/function; This variant is associated with the following publications: (PMID: 27535533)

Athena Diagnostics
Classification: Likely benign. Last evaluated: 2021-05-11. Review status: criteria provided, single submitter. Criteria: Athena Diagnostics criteria. Collection method: clinical testing. Allele origin: unknown.